The following is an entry in ClinVar:

ClinVar aggregate classification (germline): Uncertain significance (1 of 4 stars; one submission).

Allele frequency attached by ClinVar (database versions not stated): ESP Exome Variant Server 0.00008; 1000 Genomes Project 30x 0.00016; ExAC 0.00017; gnomAD exomes 0.00017 and 0.00020; 1000 Genomes Project 0.00020; gnomAD 0.00020; TOPMed 0.00020.
gnomAD v4.1: 327 of 1,614,000 alleles (0.02%); highest among the groups gnomAD compares: Admixed American, 0.023%; no homozygotes.

Submission:

Labcorp Genetics (formerly Invitae), Labcorp
Classification: Uncertain significance. Last evaluated: 2026-01-21. Review status: criteria provided, single submitter. Criteria: Invitae Variant Classification Sherloc (09022015). Collection method: clinical testing. Allele origin: germline.
Comment: This sequence change replaces aspartic acid, which is acidic and polar, with asparagine, which is neutral and polar, at codon 309 of the MICAL1 protein (p.Asp309Asn). This variant is present in population databases (rs201744766, gnomAD 0.03%), and has an allele count higher than expected for a pathogenic variant. This variant has not been reported in the literature in individuals affected with MICAL1-related conditions. ClinVar contains an entry for this variant (Variation ID: 1444278). An algorithm developed to predict the effect of missense changes on protein structure and function (PolyPhen-2) suggests that this variant is likely to be disruptive. In summary, the available evidence is currently insufficient to determine the role of this variant in disease. Therefore, it has been classified as a Variant of Uncertain Significance.

NM_022765.4(MICAL1):c.868G>A (p.Asp290Asn)

Gene: MICAL1 (microtubule associated monooxygenase, calponin and LIM domain containing 1; minus strand). Cytogenetic location: 6q21.
Variant type: single nucleotide variant.
Coding change: c.868G>A on transcript NM_022765.4 (MANE Select); coding-DNA position 868, G replaced by A.
Protein change: p.Asp290Asn; replaces aspartic acid 290 with asparagine.
Molecular consequence: missense variant.
Genome position (GRCh38, 1-based): chr6:109,451,665, C>T on the plus strand (G>A on the coding strand, the complement: MICAL1 is on the minus strand). VCF-style: chr6-109451665-C-T. GRCh37 (hg19) VCF-style: chr6-109772868-C-T.
Other names: c.868G>A, p.Asp290Asn (NM_001159291.2); c.925G>A, p.Asp309Asn (NM_001286613.2); short protein forms D290N, D309N.
Identifiers: ClinVar variation 1444278 (VCV001444278.6), dbSNP rs201744766, ClinGen allele CA3953575.